The following is an entry in ClinVar:

NM_000179.3(MSH6):c.3958G>A (p.Ala1320Thr)

Gene: MSH6 (mutS homolog 6; plus strand). Cytogenetic location: 2p16.3.
Variant type: single nucleotide variant.
Coding change: c.3958G>A on transcript NM_000179.3 (MANE Select); coding-DNA position 3958, G replaced by A.
Protein change: p.Ala1320Thr; replaces alanine 1320 with threonine.
Molecular consequence: missense variant. On other transcripts: synonymous variant (1).
Genome position (GRCh38, 1-based): chr2:47,806,608, G>A. VCF-style: chr2-47806608-G-A. GRCh37 (hg19) VCF-style: chr2-48033747-G-A.
Other names: c.3568G>A, p.Ala1190Thr (NM_001281492.2); c.3052G>A, p.Ala1018Thr (NM_001281493.2, NM_001281494.2, NM_001406823.1 and 6 more transcripts); c.4054G>A, p.Ala1352Thr (NM_001406795.1); c.3958G>A, p.Ala1320Thr (NM_001406796.1, NM_001406808.1, NM_001406809.1); c.3661G>A, p.Ala1221Thr (NM_001406797.1, NM_001406801.1, NM_001406805.1 and 10 more transcripts); c.3784G>A, p.Ala1262Thr (NM_001406798.1); c.3433G>A, p.Ala1145Thr (NM_001406799.1, NM_001406806.1, NM_001406807.1); c.3945G>A, p.Lys1315= (NM_001406800.1); and 8 more; short protein forms A1145T, A1320T, A635T, A1264T, A1322T, A247T, A798T, A1018T.
Identifiers: ClinVar variation 1736480 (VCV001736480.8), dbSNP rs376300764, ClinGen allele CA346761538.

ClinVar aggregate classification (germline): Uncertain significance. Review status: criteria provided, multiple submitters, no conflicts (2 of 4 stars). 2 submissions from 2 submitters: Uncertain significance (2). Last evaluated 2025-04-03.

Conditions:
Hereditary nonpolyposis colorectal neoplasms. Identifiers: MedGen C0009405, MeSH D003123.
Hereditary cancer-predisposing syndrome. Also called: Neoplastic Syndromes, Hereditary; Tumor predisposition; Hereditary Cancer Syndrome; Hereditary neoplastic syndrome. Identifiers: Orphanet 140162, MedGen C0027672, MeSH D009386, MONDO:0015356.

Allele frequency attached by ClinVar (database versions not stated): gnomAD exomes below 0.00001.
gnomAD v4.1: 3 of 1,612,830 alleles (0.00019%); highest among the groups gnomAD compares: Non-Finnish European, 0.00025%; no homozygotes.

Submissions (2):

Labcorp Genetics (formerly Invitae), Labcorp
Classification: Uncertain significance for Hereditary nonpolyposis colorectal neoplasms. Last evaluated: 2025-04-03. Review status: criteria provided, single submitter. Criteria: Invitae Variant Classification Sherloc (09022015). Collection method: clinical testing. Allele origin: germline.
Comment: This sequence change replaces alanine, which is neutral and non-polar, with threonine, which is neutral and polar, at codon 1320 of the MSH6 protein (p.Ala1320Thr). This variant is not present in population databases (gnomAD no frequency). This variant has not been reported in the literature in individuals affected with MSH6-related conditions. ClinVar contains an entry for this variant (Variation ID: 1736480). Invitae Evidence Modeling of protein sequence and biophysical properties (such as structural, functional, and spatial information, amino acid conservation, physicochemical variation, residue mobility, and thermodynamic stability) indicates that this missense variant is not expected to disrupt MSH6 protein function with a negative predictive value of 95%. In summary, the available evidence is currently insufficient to determine the role of this variant in disease. Therefore, it has been classified as a Variant of Uncertain Significance.

Ambry Genetics
Classification: Uncertain significance for Hereditary cancer-predisposing syndrome. Last evaluated: 2024-06-10. Review status: criteria provided, single submitter. Criteria: Ambry Variant Classification Scheme 2023. Collection method: clinical testing. Allele origin: germline.
Comment: The p.A1320T variant (also known as c.3958G>A), located in coding exon 9 of the MSH6 gene, results from a G to A substitution at nucleotide position 3958. The alanine at codon 1320 is replaced by threonine, an amino acid with similar properties. This amino acid position is highly conserved in available vertebrate species. In addition, this alteration is predicted to be deleterious by in silico analysis. Based on the available evidence, the clinical significance of this variant remains unclear.